The following is an entry in ClinVar:

NM_198075.4(LRRC56):c.170C>T (p.Ala57Val)

Gene: LRRC56 (leucine rich repeat containing 56; plus strand). Cytogenetic location: 11p15.5.
Variant type: single nucleotide variant.
Coding change: c.170C>T on transcript NM_198075.4 (MANE Select); coding-DNA position 170, C replaced by T.
Protein change: p.Ala57Val; replaces alanine 57 with valine.
Molecular consequence: missense variant.
Genome position (GRCh38, 1-based): chr11:540,854, C>T. VCF-style: chr11-540854-C-T. GRCh37 (hg19) VCF-style: chr11-540854-C-T.
Other names: c.170C>T, p.Ala57Val (NM_001441283.1, NM_001441284.1, NM_001441285.1 and 1 more transcripts); short protein forms A57V.
Identifiers: ClinVar variation 4547942 (VCV004547942.2).

ClinVar aggregate classification (germline): Uncertain significance. Review status: criteria provided, multiple submitters, no conflicts (2 of 4 stars). 2 submissions from 2 submitters: Uncertain significance (2). Last evaluated 2025-12-02.

gnomAD v4.1: 4 of 1,558,758 alleles (0.00026%); highest among the groups gnomAD compares: Admixed American, 0.0077%; no homozygotes.

Submissions (2):

Ambry Genetics
Classification: Uncertain significance. Last evaluated: 2025-12-02. Review status: criteria provided, single submitter. Criteria: Ambry Variant Classification Scheme 2023. Collection method: clinical testing. Allele origin: germline.

Labcorp Genetics (formerly Invitae), Labcorp
Classification: Uncertain significance. Last evaluated: 2025-10-12. Review status: criteria provided, single submitter. Criteria: Invitae Variant Classification Sherloc (09022015). Collection method: clinical testing. Allele origin: germline.
Comment: This sequence change replaces alanine, which is neutral and non-polar, with valine, which is neutral and non-polar, at codon 57 of the LRRC56 protein (p.Ala57Val). This variant is present in population databases (rs750143028, gnomAD 0.01%). This variant has not been reported in the literature in individuals affected with LRRC56-related conditions. Invitae Evidence Modeling of protein sequence and biophysical properties (such as structural, functional, and spatial information, amino acid conservation, physicochemical variation, residue mobility, and thermodynamic stability) has been performed for this missense variant. However, the output from this modeling did not meet the statistical confidence thresholds required to predict the impact of this variant on LRRC56 protein function. In summary, the available evidence is currently insufficient to determine the role of this variant in disease. Therefore, it has been classified as a Variant of Uncertain Significance.